The following is an entry in ClinVar:

NM_022772.4(EPS8L2):c.1169C>T (p.Ser390Leu)

Gene: EPS8L2 (EPS8 signaling adaptor L2; plus strand). Cytogenetic location: 11p15.5.
Variant type: single nucleotide variant.
Coding change: c.1169C>T on transcript NM_022772.4 (MANE Select); coding-DNA position 1169, C replaced by T.
Protein change: p.Ser390Leu; replaces serine 390 with leucine.
Molecular consequence: missense variant.
Genome position (GRCh38, 1-based): chr11:722,510, C>T. VCF-style: chr11-722510-C-T. GRCh37 (hg19) VCF-style: chr11-722510-C-T.
Other names: short protein forms S390L.
Identifiers: ClinVar variation 1427940 (VCV001427940.4), dbSNP rs767069074, ClinGen allele CA5787524.

ClinVar aggregate classification (germline): Uncertain significance (1 of 4 stars; one submission).

Allele frequency attached by ClinVar (database versions not stated): ExAC 0.00002; gnomAD exomes 0.00002.
gnomAD v4.1: 18 of 1,613,162 alleles (0.0011%); highest among the groups gnomAD compares: Admixed American, 0.0033%; no homozygotes.

Submission:

Labcorp Genetics (formerly Invitae), Labcorp
Classification: Uncertain significance. Last evaluated: 2021-08-03. Review status: criteria provided, single submitter. Criteria: Invitae Variant Classification Sherloc (09022015). Collection method: clinical testing. Allele origin: germline.
Comment: In summary, the available evidence is currently insufficient to determine the role of this variant in disease. Therefore, it has been classified as a Variant of Uncertain Significance. Algorithms developed to predict the effect of missense changes on protein structure and function (SIFT, PolyPhen-2, Align-GVGD) all suggest that this variant is likely to be tolerated. This variant has not been reported in the literature in individuals affected with EPS8L2-related conditions. This variant is present in population databases (rs767069074, ExAC 0.01%). This sequence change replaces serine with leucine at codon 390 of the EPS8L2 protein (p.Ser390Leu). The serine residue is weakly conserved and there is a large physicochemical difference between serine and leucine.